The following is an entry in ClinVar:

NM_001849.4(COL6A2):c.2950_2958dup (p.Val984_Thr986dup)

Gene: COL6A2 (collagen type VI alpha 2 chain; plus strand). Cytogenetic location: 21q22.3.
Variant type: Duplication.
Coding change: c.2950_2958dup on transcript NM_001849.4 (MANE Select); coding-DNA positions 2950 to 2958, 9 bases duplicated (GTGCTCACC; older notation c.2950_2958dupGTGCTCACC).
Protein change: p.Val984_Thr986dup.
Molecular consequence: inframe insertion.
Genome position (GRCh38, 1-based): chr21:46,132,442-46,132,450, GTGCTCACC duplicated; duplicating any 9 consecutive bases within chr21:46,132,441-46,132,450 gives the same sequence; the c. name uses the placement nearest the transcript's 3' end. VCF-style (leftmost placement, unchanged base first): chr21-46132440-A-ACGTGCTCAC. GRCh37 (hg19) VCF-style: chr21-47552354-A-ACGTGCTCAC.
Other names: c.2950_2958dup (NM_001849.3).
Identifiers: ClinVar variation 1356958 (VCV001356958.8), dbSNP rs762259160, ClinGen allele CA10073109.

ClinVar aggregate classification (germline): Uncertain significance. Review status: criteria provided, multiple submitters, no conflicts (2 of 4 stars). 2 submissions from 2 submitters: Uncertain significance (2). Last evaluated 2023-11-17.

Conditions:
Bethlem myopathy 1A. Also called: MYOPATHY, BENIGN CONGENITAL, WITH CONTRACTURES; Bethlem Muscular Dystrophy; Bethlem myopathy 1. Identifiers: Orphanet 610, MedGen CN029274, MONDO:0024530, OMIM 158810.

Submissions (2):

Labcorp Genetics (formerly Invitae), Labcorp
Classification: Uncertain significance for Bethlem myopathy 1A. Last evaluated: 2023-11-17. Review status: criteria provided, single submitter. Criteria: Invitae Variant Classification Sherloc (09022015). Collection method: clinical testing. Allele origin: germline.
Comment: This variant, c.2950_2958dup, results in the insertion of 3 amino acid(s) of the COL6A2 protein (p.Val984_Thr986dup), but otherwise preserves the integrity of the reading frame. This variant is present in population databases (rs762259160, gnomAD 0.003%). This variant has not been reported in the literature in individuals affected with COL6A2-related conditions. ClinVar contains an entry for this variant (Variation ID: 1356958). Experimental studies and prediction algorithms are not available or were not evaluated, and the functional significance of this variant is currently unknown. In summary, the available evidence is currently insufficient to determine the role of this variant in disease. Therefore, it has been classified as a Variant of Uncertain Significance.

Revvity Omics, Revvity
Classification: Uncertain significance. Last evaluated: 2019-08-24. Review status: criteria provided, single submitter. Criteria: ACMG Guidelines, 2015. Collection method: clinical testing. Allele origin: germline.